The following is an entry in ClinVar:

NM_001281740.3(FHOD3):c.3727G>A (p.Ala1243Thr)

Gene: FHOD3 (formin homology 2 domain containing 3; plus strand). Cytogenetic location: 18q12.2.
Variant type: single nucleotide variant.
Coding change: c.3727G>A on transcript NM_001281740.3 (MANE Select); coding-DNA position 3727, G replaced by A.
Protein change: p.Ala1243Thr; replaces alanine 1243 with threonine.
Molecular consequence: missense variant.
Genome position (GRCh38, 1-based): chr18:36,740,806, G>A. VCF-style: chr18-36740806-G-A. GRCh37 (hg19) VCF-style: chr18-34320769-G-A.
Other names: c.3151G>A, p.Ala1051Thr (NM_001281739.3); c.3202G>A, p.Ala1068Thr (NM_025135.5); c.3202G>A (NM_025135.2); short protein forms A1051T, A1068T, A1243T.
Identifiers: ClinVar variation 2634622 (VCV002634622.4), dbSNP rs202146466, ClinGen allele CA8942154.

ClinVar aggregate classification (germline): Conflicting classifications of pathogenicity. Review status: criteria provided, conflicting classifications (1 of 4 stars). 3 submissions from 3 submitters: Uncertain significance (2); Likely benign (1). Last evaluated 2026-01-06.

Conditions:
FHOD3-related disorder. Also called: FHOD3-related condition.
Inborn genetic diseases. Identifiers: MedGen C0950123, MeSH D030342.

Allele frequency attached by ClinVar (database versions not stated): ExAC 0.00004; gnomAD exomes 0.00010; ESP Exome Variant Server 0.00015.
gnomAD v4.1: 169 of 1,612,848 alleles (0.01%); highest among the groups gnomAD compares: Non-Finnish European, 0.013%; no homozygotes.

Submissions (3):

PreventionGenetics, part of Exact Sciences
Classification: Uncertain significance for FHOD3-related condition. Last evaluated: 2026-01-06. Review status: criteria provided, single submitter. Criteria: ACMG Guidelines, 2015. Collection method: clinical testing. Allele origin: germline.
Comment: The FHOD3 c.3727G>A variant is predicted to result in the amino acid substitution p.Ala1243Thr. To our knowledge, this variant has not been reported in the literature. This variant is reported in 0.0086% of alleles in individuals of Latino descent in gnomAD. Although we suspect that this variant may be benign, the clinical significance of this variant is classified as uncertain at this time due to insufficient functional and genetic evidence.

Blueprint Genetics
Classification: Likely benign. Last evaluated: 2024-04-25. Review status: criteria provided, single submitter. Criteria: ACMG Guidelines, 2015. Collection method: clinical testing. Allele origin: germline.

Ambry Genetics
Classification: Uncertain significance for Inborn genetic diseases. Last evaluated: 2021-12-07. Review status: criteria provided, single submitter. Criteria: Ambry Variant Classification Scheme 2023. Collection method: clinical testing. Allele origin: germline.